The following is an entry in ClinVar:

NM_001033855.3(DCLRE1C):c.*752T>C

Gene: DCLRE1C (DNA cross-link repair 1C; minus strand). Cytogenetic location: 10p13.
Variant type: single nucleotide variant.
Coding change: c.*752T>C on transcript NM_001033855.3 (MANE Select); 752 bases downstream of the stop codon, T replaced by C.
Molecular consequence: 3 prime UTR variant. On other transcripts: non-coding transcript variant (3), intron variant (3).
Genome position (GRCh38, 1-based): chr10:14,907,656, A>G on the plus strand (T>C on the coding strand, the complement: DCLRE1C is on the minus strand). VCF-style: chr10-14907656-A-G. GRCh37 (hg19) VCF-style: chr10-14949655-A-G.
Other names: c.*752T>C (NM_001033857.3, NM_001033858.3, NM_001289076.2 and 4 more transcripts); c.1437+1049T>C (NM_001350966.2); c.1782+1049T>C (NM_001350965.2); c.1422+1049T>C (NM_001350967.2).
Identifiers: ClinVar variation 299290 (VCV000299290.5), dbSNP rs41300682, ClinGen allele CA10631254.

ClinVar aggregate classification (germline): Benign (1 of 4 stars; one submission).

Conditions:
Histiocytic medullary reticulosis. Also called: SEVERE COMBINED IMMUNODEFICIENCY WITH HYPEREOSINOPHILIA; Omenn syndrome. Identifiers: Orphanet 39041, MedGen C2700553, MONDO:0011338, OMIM 603554.

Allele frequency attached by ClinVar (database versions not stated): gnomAD 0.00758 and 0.00893; TOPMed 0.00935; 1000 Genomes Project 30x 0.02498; 1000 Genomes Project 0.02696.
gnomAD v4.1: 1,368 of 152,160 alleles (0.9%); highest among the groups gnomAD compares: East Asian, 9.7%; 38 homozygotes.

Submission:

Illumina Laboratory Services, Illumina
Classification: Benign for Histiocytic medullary reticulosis. Last evaluated: 2018-01-13. Review status: criteria provided, single submitter. Criteria: ICSL Variant Classification Criteria 13 December 2019. Collection method: clinical testing. Allele origin: germline.
Comment: This variant was observed in the ICSL laboratory as part of a predisposition screen in an ostensibly healthy population. It had not been previously curated by ICSL or reported in the Human Gene Mutation Database (HGMD: prior to June 1st, 2018), and was therefore a candidate for classification through an automated scoring system. Utilizing variant allele frequency, disease prevalence and penetrance estimates, and inheritance mode, an automated score was calculated to assess if this variant is too frequent to cause the disease. Based on the score and internal cut-off values, a variant classified as benign is not then subjected to further curation. The score for this variant resulted in a classification of benign for this disease.